The following is an entry in ClinVar:

NM_015001.3(SPEN):c.1993C>G (p.Gln665Glu)

Gene: SPEN (spen family transcriptional repressor; plus strand). Cytogenetic location: 1p36.13.
Variant type: single nucleotide variant.
Coding change: c.1993C>G on transcript NM_015001.3 (MANE Select); coding-DNA position 1993, C replaced by G.
Protein change: p.Gln665Glu; replaces glutamine 665 with glutamic acid.
Molecular consequence: missense variant.
Genome position (GRCh38, 1-based): chr1:15,928,233, C>G. VCF-style: chr1-15928233-C-G. GRCh37 (hg19) VCF-style: chr1-16254728-C-G.
Other names: short protein forms Q665E.
Identifiers: ClinVar variation 4085467 (VCV004085467.8).

ClinVar aggregate classification (germline): Uncertain significance (1 of 4 stars; one submission).

Submission:

CeGaT Center for Human Genetics Tuebingen
Classification: Uncertain significance. Last evaluated: 2025-07-01. Review status: criteria provided, single submitter. Criteria: CeGaT Center For Human Genetics Tuebingen Variant Classification Criteria Version 2. Collection method: clinical testing. Allele origin: germline. Affected: yes. Observed: 1 variant allele.
Comment: SPEN: PM2